The following is an entry in ClinVar:

NM_182760.4(SUMF1):c.218A>G (p.Glu73Gly)

Genes: SUMF1 (sulfatase modifying factor 1; minus strand), LOC129936056 (ATAC-STARR-seq lymphoblastoid silent region 14016; plus strand). Cytogenetic location: 3p26.1.
Variant type: single nucleotide variant.
Coding change: c.218A>G on transcript NM_182760.4 (MANE Select); coding-DNA position 218, A replaced by G.
Protein change: p.Glu73Gly; replaces glutamic acid 73 with glycine.
Molecular consequence: missense variant.
Genome position (GRCh38, 1-based): chr3:4,467,028, T>C on the plus strand (A>G on the coding strand, the complement: SUMF1 is on the minus strand). VCF-style: chr3-4467028-T-C. GRCh37 (hg19) VCF-style: chr3-4508712-T-C.
Other names: c.218A>G, p.Glu73Gly (NM_001164674.2, NM_001164675.2); short protein forms E73G.
Identifiers: ClinVar variation 2141994 (VCV002141994.2), dbSNP rs906998979, ClinGen allele CA351794178.

ClinVar aggregate classification (germline): Uncertain significance (1 of 4 stars; one submission).

Conditions:
Multiple sulfatase deficiency (MSD). Also called: Multiple Sulfatase Deficiency Disease; Sulfatidosis, Juvenile, Austin Type; Mucosulfatidosis. Identifiers: Orphanet 585, MedGen C0268263, MONDO:0010088, OMIM 272200.

Allele frequency attached by ClinVar (database versions not stated): TOPMed 0.00001.
gnomAD v4.1: 24 of 1,584,970 alleles (0.0015%); highest among the groups gnomAD compares: Non-Finnish European, 0.0021%; no homozygotes.

Submission:

Labcorp Genetics (formerly Invitae), Labcorp
Classification: Uncertain significance for Multiple sulfatase deficiency. Last evaluated: 2025-10-28. Review status: criteria provided, single submitter. Criteria: Invitae Variant Classification Sherloc (09022015). Collection method: clinical testing. Allele origin: germline.
Comment: This sequence change replaces glutamic acid, which is acidic and polar, with glycine, which is neutral and non-polar, at codon 73 of the SUMF1 protein (p.Glu73Gly). This variant is present in population databases (no rsID available, gnomAD 0.001%). This variant has not been reported in the literature in individuals affected with SUMF1-related conditions. ClinVar contains an entry for this variant (Variation ID: 2141994). Invitae Evidence Modeling of protein sequence and biophysical properties (such as structural, functional, and spatial information, amino acid conservation, physicochemical variation, residue mobility, and thermodynamic stability) indicates that this missense variant is not expected to disrupt SUMF1 protein function with a negative predictive value of 95%. In summary, the available evidence is currently insufficient to determine the role of this variant in disease. Therefore, it has been classified as a Variant of Uncertain Significance.